The following is an entry in ClinVar:

ClinVar aggregate classification (germline): Uncertain significance (1 of 4 stars; one submission).

Submission:

Labcorp Genetics (formerly Invitae), Labcorp
Classification: Uncertain significance. Last evaluated: 2022-06-13. Review status: criteria provided, single submitter. Criteria: Invitae Variant Classification Sherloc (09022015). Collection method: clinical testing. Allele origin: germline.
Comment: In summary, the available evidence is currently insufficient to determine the role of this variant in disease. Therefore, it has been classified as a Variant of Uncertain Significance. Algorithms developed to predict the effect of missense changes on protein structure and function (SIFT, PolyPhen-2, Align-GVGD) all suggest that this variant is likely to be tolerated. This variant has not been reported in the literature in individuals affected with LCA5-related conditions. This variant is not present in population databases (gnomAD no frequency). This sequence change replaces glycine, which is neutral and non-polar, with alanine, which is neutral and non-polar, at codon 332 of the LCA5 protein (p.Gly332Ala).

NM_001122769.3(LCA5):c.995G>C (p.Gly332Ala)

Gene: LCA5 (lebercilin LCA5; minus strand). Cytogenetic location: 6q14.1.
Variant type: single nucleotide variant.
Coding change: c.995G>C on transcript NM_001122769.3 (MANE Select); coding-DNA position 995, G replaced by C.
Protein change: p.Gly332Ala; replaces glycine 332 with alanine.
Molecular consequence: missense variant.
Genome position (GRCh38, 1-based): chr6:79,491,691, C>G on the plus strand (G>C on the coding strand, the complement: LCA5 is on the minus strand). VCF-style: chr6-79491691-C-G. GRCh37 (hg19) VCF-style: chr6-80201408-C-G.
Other names: c.995G>C, p.Gly332Ala (NM_181714.4); short protein forms G332A.
Identifiers: ClinVar variation 2005340 (VCV002005340.4), dbSNP rs1283987592, ClinGen allele CA364644150.
Genomic context (GRCh38, chr6:79,491,691, plus strand): 5'-ATAATTGTTTCTGGAGTTAAAGGATATTCTTCTGGCTTGAAGTCTTCCATGGTTTGTACT[C>G]CTTTTGTACACAGGTCTGCAAAATCACTCTGGCATGCAGCTACAGTGAAAATTATTTTTA-3'
Protein context (NP_001116241.1, residues 322-342): QSDFADLCTK[Gly332Ala]VQTMEDFKPE